The following is an entry in ClinVar:

ClinVar aggregate classification (germline): Uncertain significance (1 of 4 stars; one submission).

Conditions:
Hereditary cancer-predisposing syndrome. Also called: Neoplastic Syndromes, Hereditary; Tumor predisposition; Hereditary neoplastic syndrome; Hereditary Cancer Syndrome. Identifiers: Orphanet 140162, MedGen C0027672, MeSH D009386, MONDO:0015356.

Submission:

Ambry Genetics
Classification: Uncertain significance for Hereditary cancer-predisposing syndrome. Last evaluated: 2023-02-22. Review status: criteria provided, single submitter. Criteria: Ambry Variant Classification Scheme 2023. Collection method: clinical testing. Allele origin: germline.
Comment: The p.L909V variant (also known as c.2725C>G), located in coding exon 18 of the SMARCA4 gene, results from a C to G substitution at nucleotide position 2725. The leucine at codon 909 is replaced by valine, an amino acid with highly similar properties. This amino acid position is highly conserved in available vertebrate species. In addition, this alteration is predicted to be deleterious by in silico analysis. Missense and in-frame variants in SMARCA4 are known to cause neurodevelopmental disorders; however, such associations with rhabdoid tumor predisposition syndrome including small cell carcinoma of the ovary-hypercalcemic type (SCCOHT) are exceedingly rare (Kosho T et al. Am J Med Genet C Semin Med Genet. 2014 Sep;166C(3):262-75; Jelinic P et al. Nat Genet. 2014 May;46(5):424-6). Since supporting evidence is limited at this time, the clinical significance of this alteration remains unclear.

NM_003072.5(SMARCA4):c.2725C>G (p.Leu909Val)

Gene: SMARCA4 (SWI/SNF related BAF chromatin remodeling complex subunit ATPase 4; plus strand). Cytogenetic location: 19p13.2.
Variant type: single nucleotide variant.
Coding change: c.2725C>G on transcript NM_003072.5 (MANE Select); coding-DNA position 2725, C replaced by G.
Protein change: p.Leu909Val; replaces leucine 909 with valine.
Molecular consequence: missense variant. On other transcripts: non-coding transcript variant (1).
Genome position (GRCh38, 1-based): chr19:11,021,833, C>G. VCF-style: chr19-11021833-C-G. GRCh37 (hg19) VCF-style: chr19-11132509-C-G.
Other names: c.2725C>G, p.Leu909Val (NM_001128844.3, NM_001128845.2, NM_001128846.2 and 6 more transcripts); short protein forms L909V.
Identifiers: ClinVar variation 2452875 (VCV002452875.2), dbSNP rs748251383, ClinGen allele CA404056198.